The following is an entry in ClinVar:

NM_147127.5(EVC2):c.2010del (p.Lys670fs)

Gene: EVC2 (EvC ciliary complex subunit 2; minus strand). Cytogenetic location: 4p16.2.
Variant type: Deletion.
Coding change: c.2010del on transcript NM_147127.5 (MANE Select); coding-DNA position 2010, one base deleted (A; older notation c.2010delA).
Protein change: p.Lys670fs; shifts the reading frame from lysine 670.
Molecular consequence: frameshift variant.
Genome position (GRCh38, 1-based): chr4:5,625,785, T deleted on the plus strand (A on the coding strand, the reverse complement: EVC2 is on the minus strand); the first of 5 consecutive T bases (chr4:5,625,785-5,625,789); deleting any one gives the same sequence. VCF-style (leftmost placement, unchanged base first): chr4-5625784-AT-A. GRCh37 (hg19) VCF-style: chr4-5627511-AT-A.
Other names: c.1770del, p.Lys590fs (NM_001166136.2); short protein forms K590fs, K670fs.
Identifiers: ClinVar variation 1390305 (VCV001390305.7), dbSNP rs2108843186, ClinGen allele CA2573138247.

ClinVar aggregate classification (germline): Pathogenic (1 of 4 stars; one submission).

Conditions:
Curry-Hall syndrome (WAD). Also called: WEYERS ACRODENTAL DYSOSTOSIS. Identifiers: Orphanet 952, MedGen C0457013, MONDO:0008673, OMIM 193530.
Ellis-van Creveld syndrome (EVC). Also called: EVC-Related Ellis-van Creveld Syndrome; EVC2-Related Ellis-van Creveld Syndrome; Chondroectodermal dysplasia; MESOECTODERMAL DYSPLASIA. Identifiers: Orphanet 289, MedGen C0013903, MONDO:0009162, OMIM 225500.

Submission:

Labcorp Genetics (formerly Invitae), Labcorp
Classification: Pathogenic for Curry-Hall syndrome; Ellis-van Creveld syndrome. Last evaluated: 2021-10-07. Review status: criteria provided, single submitter. Criteria: Invitae Variant Classification Sherloc (09022015). Collection method: clinical testing. Allele origin: germline.
Comment: For these reasons, this variant has been classified as Pathogenic. This variant is also known as c.2006delA. This premature translational stop signal has been observed in individual(s) with EVC2-related conditions (PMID: 17024374). This variant is not present in population databases (ExAC no frequency). This sequence change creates a premature translational stop signal (p.Lys670Asnfs*2) in the EVC2 gene. It is expected to result in an absent or disrupted protein product. Loss-of-function variants in EVC2 are known to be pathogenic (PMID: 17024374, 19810119, 19876929).

Literature cited by the submitters: PubMed 17024374; PubMed 19810119; PubMed 19876929.